The following is an entry in ClinVar:

ClinVar aggregate classification (germline): Pathogenic (1 of 4 stars; one submission).

Submission:

Labcorp Genetics (formerly Invitae), Labcorp
Classification: Pathogenic. Last evaluated: 2023-04-24. Review status: criteria provided, single submitter. Criteria: Invitae Variant Classification Sherloc (09022015). Collection method: clinical testing. Allele origin: unknown.
Comment: For these reasons, this variant has been classified as Pathogenic. This variant disrupts a region of the EYS protein in which other variant(s) (p.Ala2498Pro) have been determined to be pathogenic (PMID: 25356976, 33090715). This suggests that this is a clinically significant region of the protein, and that variants that disrupt it are likely to be disease-causing. This variant has not been reported in the literature in individuals affected with EYS-related conditions. This variant is a gross deletion of the genomic region encompassing exon(s) 34-40 of the EYS gene. This variant would be expected to be in-frame, preserving the integrity of the reading frame.

Literature cited by the submitters: PubMed 25356976; PubMed 33090715.

NC_000006.11:g.(?_64487879)_(64709096_?)del

Gene: EYS (eyes shut homolog; minus strand). Cytogenetic location: 6q12.
Variant type: Deletion.
Identifiers: ClinVar variation 3246123 (VCV003246123.1).